The following is an entry in ClinVar:

NM_004360.5(CDH1):c.164-12T>C

Gene: CDH1 (cadherin 1; plus strand). Cytogenetic location: 16q22.1.
Variant type: single nucleotide variant.
Coding change: c.164-12T>C on transcript NM_004360.5 (MANE Select); 12 bases into the intron before coding-DNA position 164, T replaced by C.
Molecular consequence: intron variant.
Genome position (GRCh38, 1-based): chr16:68,801,658, T>C. VCF-style: chr16-68801658-T-C. GRCh37 (hg19) VCF-style: chr16-68835561-T-C.
Other names: c.-1452-12T>C (NM_001317185.2); c.-1656-12T>C (NM_001317186.2); c.164-12T>C (NM_001317184.2).
Identifiers: ClinVar variation 1547888 (VCV001547888.9), dbSNP rs2152126575, ClinGen allele CA2573152575.

ClinVar aggregate classification (germline): Likely benign. Review status: criteria provided, multiple submitters, no conflicts (2 of 4 stars). 2 submissions from 2 submitters: Likely benign (2). Last evaluated 2024-09-12.

Conditions:
Hereditary diffuse gastric adenocarcinoma (HDGC). Also called: DIFFUSE GASTRIC AND LOBULAR BREAST CANCER SYNDROME. Identifiers: Orphanet 26106, MedGen C1708349, MONDO:0007648, OMIM 137215.

gnomAD v4.1: 2 of 1,605,526 alleles (0.00012%); highest among the groups gnomAD compares: Non-Finnish European, 0.00017%; no homozygotes.

Submissions (2):

Myriad Genetics, Inc.
Classification: Likely benign for Hereditary diffuse gastric adenocarcinoma. Last evaluated: 2024-09-12. Review status: criteria provided, single submitter. Criteria: Myriad Autosomal Dominant, Autosomal Recessive and X-Linked Classification Criteria (2023). Collection method: clinical testing. Allele origin: unknown.
Comment: This variant is considered likely benign. This variant is intronic and is not expected to impact mRNA splicing.

Labcorp Genetics (formerly Invitae), Labcorp
Classification: Likely benign for Hereditary diffuse gastric adenocarcinoma. Last evaluated: 2023-07-16. Review status: criteria provided, single submitter. Criteria: Invitae Variant Classification Sherloc (09022015). Collection method: clinical testing. Allele origin: germline.